The following is an entry in ClinVar:

ClinVar aggregate classification (germline): Conflicting classifications of pathogenicity. Review status: criteria provided, conflicting classifications (1 of 4 stars). 2 submissions from 2 submitters: Likely pathogenic (1); Uncertain significance (1). Last evaluated 2024-10-31.

Conditions:
Pulp calcification. Also called: Pulp stones; Dental Pulp Stone. Identifiers: Orphanet 1653, MedGen C1527284, HP:0003771. Disease mechanism: loss of function.

gnomAD v4.1: 10 of 1,614,072 alleles (0.00062%); highest among the groups gnomAD compares: Non-Finnish European, 0.00059%; no homozygotes.

Submissions (2):

Blueprint Genetics
Classification: Uncertain significance. Last evaluated: 2024-10-31. Review status: criteria provided, single submitter. Criteria: ACMG Guidelines, 2015. Collection method: clinical testing. Allele origin: germline.

3billion
Classification: Likely pathogenic for Dentin dysplasia type II. Last evaluated: 2023-11-12. Review status: criteria provided, single submitter. Criteria: ACMG Guidelines, 2015. Collection method: clinical testing. Allele origin: germline. Affected: yes.
Comment: The variant is observed at an extremely low frequency in the gnomAD v2.1.1 dataset (total allele frequency: <0.001%). Predicted Consequence/Location: Stop-gained (nonsense): predicted to result in a loss or disruption of normal protein function through protein truncation. The predicted truncated protein may be shortened by more than 10%. Therefore, this variant is classified as Likely pathogenic according to the recommendation of ACMG/AMP guideline.

NM_014208.3(DSPP):c.1462C>T (p.Arg488Ter)

Genes: DMP1-AS1 (DMP1 and DSPP antisense RNA 1; minus strand), DSPP (dentin sialophosphoprotein; plus strand). Cytogenetic location: 4q22.1.
Variant type: single nucleotide variant.
Coding change: c.1462C>T on transcript NM_014208.3 (MANE Select); coding-DNA position 1462, C replaced by T.
Protein change: p.Arg488Ter; replaces arginine 488 with a stop codon.
Molecular consequence: nonsense.
Genome position (GRCh38, 1-based): chr4:87,614,124, C>T. VCF-style: chr4-87614124-C-T. GRCh37 (hg19) VCF-style: chr4-88535276-C-T.
Other names: short protein forms R488*.
Identifiers: ClinVar variation 3775533 (VCV003775533.2).